The following is an entry in ClinVar:

NM_002691.4(POLD1):c.868G>T (p.Val290Leu)

Gene: POLD1 (DNA polymerase delta 1, catalytic subunit; plus strand). Cytogenetic location: 19q13.33.
Variant type: single nucleotide variant.
Coding change: c.868G>T on transcript NM_002691.4 (MANE Select); coding-DNA position 868, G replaced by T.
Protein change: p.Val290Leu; replaces valine 290 with leucine.
Molecular consequence: missense variant. On other transcripts: non-coding transcript variant (1).
Genome position (GRCh38, 1-based): chr19:50,402,639, G>T. VCF-style: chr19-50402639-G-T. GRCh37 (hg19) VCF-style: chr19-50905896-G-T.
Other names: c.868G>T, p.Val290Leu (NM_001256849.1, NM_001308632.1); short protein forms V290L.
Identifiers: ClinVar variation 1519937 (VCV001519937.6), dbSNP rs748657880, ClinGen allele CA406976780.

ClinVar aggregate classification (germline): Uncertain significance (1 of 4 stars; one submission).

Conditions:
POLD1-related polyposis and colorectal cancer syndrome (CRCS10). Also called: Colorectal cancer 10; COLORECTAL CANCER, SUSCEPTIBILITY TO, ON CHROMOSOME 19q; Colorectal cancer, susceptibility to, 10. Identifiers: Orphanet 220460, MedGen C2675481, MONDO:0012953, OMIM 612591.

Submission:

Labcorp Genetics (formerly Invitae), Labcorp
Classification: Uncertain significance for POLD1-related polyposis and colorectal cancer syndrome. Last evaluated: 2026-01-19. Review status: criteria provided, single submitter. Criteria: Invitae Variant Classification Sherloc (09022015). Collection method: clinical testing. Allele origin: germline.
Comment: This sequence change replaces valine, which is neutral and non-polar, with leucine, which is neutral and non-polar, at codon 290 of the POLD1 protein (p.Val290Leu). This variant is not present in population databases (gnomAD no frequency). This variant has not been reported in the literature in individuals affected with POLD1-related conditions. ClinVar contains an entry for this variant (Variation ID: 1519937). Invitae Evidence Modeling of protein sequence and biophysical properties (such as structural, functional, and spatial information, amino acid conservation, physicochemical variation, residue mobility, and thermodynamic stability) indicates that this missense variant is not expected to disrupt POLD1 protein function with a negative predictive value of 80%. In summary, the available evidence is currently insufficient to determine the role of this variant in disease. Therefore, it has been classified as a Variant of Uncertain Significance.